The following is an entry in ClinVar:

NM_005033.3(EXOSC9):c.471A>C (p.Leu157Phe)

Gene: EXOSC9 (exosome component 9; plus strand). Cytogenetic location: 4q27.
Variant type: single nucleotide variant.
Coding change: c.471A>C on transcript NM_005033.3 (MANE Select); coding-DNA position 471, A replaced by C.
Protein change: p.Leu157Phe; replaces leucine 157 with phenylalanine.
Molecular consequence: missense variant.
Genome position (GRCh38, 1-based): chr4:121,804,708, A>C. VCF-style: chr4-121804708-A-C. GRCh37 (hg19) VCF-style: chr4-122725863-A-C.
Other names: c.471A>C, p.Leu157Phe (NM_001034194.2); short protein forms L157F.
Identifiers: ClinVar variation 1937951 (VCV001937951.2), dbSNP rs1307342798, ClinGen allele CA358042519.

ClinVar aggregate classification (germline): Uncertain significance (1 of 4 stars; one submission).

Allele frequency attached by ClinVar (database versions not stated): gnomAD exomes below 0.00001; gnomAD 0.00001; TOPMed 0.00001.

Submission:

Labcorp Genetics (formerly Invitae), Labcorp
Classification: Uncertain significance. Last evaluated: 2022-02-09. Review status: criteria provided, single submitter. Criteria: Invitae Variant Classification Sherloc (09022015). Collection method: clinical testing. Allele origin: germline.
Comment: This sequence change replaces leucine, which is neutral and non-polar, with phenylalanine, which is neutral and non-polar, at codon 157 of the EXOSC9 protein (p.Leu157Phe). This variant is present in population databases (no rsID available, gnomAD 0.0009%). This variant has not been reported in the literature in individuals affected with EXOSC9-related conditions. Algorithms developed to predict the effect of missense changes on protein structure and function are either unavailable or do not agree on the potential impact of this missense change (SIFT: "Deleterious"; PolyPhen-2: "Probably Damaging"; Align-GVGD: "Class C15"). In summary, the available evidence is currently insufficient to determine the role of this variant in disease. Therefore, it has been classified as a Variant of Uncertain Significance.